The following is an entry in ClinVar:

ClinVar aggregate classification (germline): Uncertain significance (1 of 4 stars; one submission).

Conditions:
Supravalvar aortic stenosis (SVAS). Also called: Supravalvar aortic stenosis, Eisenberg type. Identifiers: Orphanet 3193, MedGen C0003499, MONDO:0008504, OMIM 185500, HP:0004381.

gnomAD v4.1: 5 of 1,613,422 alleles (0.00031%); highest among the groups gnomAD compares: Middle Eastern, 0.018%; no homozygotes.

Submission:

Labcorp Genetics (formerly Invitae), Labcorp
Classification: Uncertain significance for Supravalvar aortic stenosis. Last evaluated: 2024-04-05. Review status: criteria provided, single submitter. Criteria: Invitae Variant Classification Sherloc (09022015). Collection method: clinical testing. Allele origin: germline.
Comment: This sequence change replaces alanine, which is neutral and non-polar, with valine, which is neutral and non-polar, at codon 498 of the ELN protein (p.Ala498Val). This variant is present in population databases (rs575752690, gnomAD 0.006%). This variant has not been reported in the literature in individuals affected with ELN-related conditions. Advanced modeling of protein sequence and biophysical properties (such as structural, functional, and spatial information, amino acid conservation, physicochemical variation, residue mobility, and thermodynamic stability) performed at Invitae indicates that this missense variant is not expected to disrupt ELN protein function with a negative predictive value of 80%. In summary, the available evidence is currently insufficient to determine the role of this variant in disease. Therefore, it has been classified as a Variant of Uncertain Significance.

NM_000501.4(ELN):c.1406C>T (p.Ala469Val)

Gene: ELN (elastin; plus strand). Cytogenetic location: 7q11.23.
Variant type: single nucleotide variant.
Coding change: c.1406C>T on transcript NM_000501.4 (MANE Select); coding-DNA position 1406, C replaced by T.
Protein change: p.Ala469Val; replaces alanine 469 with valine.
Molecular consequence: missense variant. On other transcripts: intron variant (7).
Genome position (GRCh38, 1-based): chr7:74,057,688, C>T. VCF-style: chr7-74057688-C-T. GRCh37 (hg19) VCF-style: chr7-73472018-C-T.
Other names: c.1421C>T, p.Ala474Val (NM_001081754.3); c.1406C>T, p.Ala469Val (NM_001278912.2, NM_001278915.2); c.1376C>T, p.Ala459Val (NM_001278917.2); c.1493C>T, p.Ala498Val (NM_001278939.2); c.1372+975C>T (NM_001081753.3); c.1357+975C>T (NM_001081755.3); c.1315+975C>T (NM_001278916.2); c.1171+975C>T (NM_001278913.2); and 3 more; short protein forms A459V, A498V, A474V, A469V.
Identifiers: ClinVar variation 3707846 (VCV003707846.2).